The following is an entry in ClinVar:

NM_020779.4(WDR35):c.2278A>G (p.Ile760Val)

Gene: WDR35 (WD repeat domain 35; minus strand). Cytogenetic location: 2p24.1.
Variant type: single nucleotide variant.
Coding change: c.2278A>G on transcript NM_020779.4 (MANE Select); coding-DNA position 2278, A replaced by G.
Protein change: p.Ile760Val; replaces isoleucine 760 with valine.
Molecular consequence: missense variant.
Genome position (GRCh38, 1-based): chr2:19,936,355, T>C on the plus strand (A>G on the coding strand, the complement: WDR35 is on the minus strand). VCF-style: chr2-19936355-T-C. GRCh37 (hg19) VCF-style: chr2-20136116-T-C.
Other names: c.2311A>G (NM_001006657.1); c.2311A>G, p.Ile771Val (NM_001006657.2); short protein forms I760V, I771V.
Identifiers: ClinVar variation 1036681 (VCV001036681.7), dbSNP rs370956261, ClinGen allele CA1542988.

ClinVar aggregate classification (germline): Uncertain significance. Review status: criteria provided, multiple submitters, no conflicts (2 of 4 stars). 2 submissions from 2 submitters: Uncertain significance (2). Last evaluated 2025-08-02.

Conditions:
Inborn genetic diseases. Identifiers: MedGen C0950123, MeSH D030342.
Cranioectodermal dysplasia 2 (CED2). Identifiers: Orphanet 1515, MedGen C3150874, MONDO:0013323, OMIM 613610.
Short-rib thoracic dysplasia 7 with or without polydactyly (SRTD7). Also called: Short rib polydactyly syndrome 5; SHORT-RIB THORACIC DYSPLASIA 7 WITH POLYDACTYLY. Identifiers: Orphanet 498497, Orphanet 93271, MedGen C3279792, MONDO:0013569, OMIM 614091.

Allele frequency attached by ClinVar (database versions not stated): gnomAD exomes 0.00001 and 0.00002; TOPMed 0.00003; ExAC 0.00004; gnomAD 0.00004; ESP Exome Variant Server 0.00015.
gnomAD v4.1: 19 of 1,613,838 alleles (0.0012%); highest among the groups gnomAD compares: African/African-American, 0.012%; no homozygotes.

Submissions (2):

Ambry Genetics
Classification: Uncertain significance for Inborn genetic diseases. Last evaluated: 2025-08-02. Review status: criteria provided, single submitter. Criteria: Ambry Variant Classification Scheme 2023. Collection method: clinical testing. Allele origin: germline.

Labcorp Genetics (formerly Invitae), Labcorp
Classification: Uncertain significance for Cranioectodermal dysplasia 2; Short-rib thoracic dysplasia 7 with or without polydactyly. Last evaluated: 2021-08-27. Review status: criteria provided, single submitter. Criteria: Invitae Variant Classification Sherloc (09022015). Collection method: clinical testing. Allele origin: germline.
Comment: This sequence change replaces isoleucine with valine at codon 771 of the WDR35 protein (p.Ile771Val). The isoleucine residue is highly conserved and there is a small physicochemical difference between isoleucine and valine. This variant is present in population databases (rs370956261, ExAC 0.02%). This variant has not been reported in the literature in individuals affected with WDR35-related conditions. Algorithms developed to predict the effect of missense changes on protein structure and function (SIFT, PolyPhen-2, Align-GVGD) all suggest that this variant is likely to be tolerated. In summary, the available evidence is currently insufficient to determine the role of this variant in disease. Therefore, it has been classified as a Variant of Uncertain Significance.